The following is an entry in ClinVar:

ClinVar aggregate classification (germline): Uncertain significance (1 of 4 stars; one submission).

Submission:

Labcorp Genetics (formerly Invitae), Labcorp
Classification: Uncertain significance. Last evaluated: 2022-07-17. Review status: criteria provided, single submitter. Criteria: Invitae Variant Classification Sherloc (09022015). Collection method: clinical testing. Allele origin: germline.
Comment: This sequence change falls in intron 28 of the CDH23 gene. It does not directly change the encoded amino acid sequence of the CDH23 protein. This variant is not present in population databases (gnomAD no frequency). This variant has not been reported in the literature in individuals affected with CDH23-related conditions. Algorithms developed to predict the effect of sequence changes on RNA splicing suggest that this variant may disrupt the consensus splice site. In summary, the available evidence is currently insufficient to determine the role of this variant in disease. Therefore, it has been classified as a Variant of Uncertain Significance.

NM_022124.6(CDH23):c.3369+9_3369+31dup

Genes: C10orf105 (chromosome 10 open reading frame 105; minus strand), CDH23 (cadherin related 23; plus strand). Cytogenetic location: 10q22.1.
Variant type: Duplication.
Coding change: c.3369+9_3369+31dup on transcript NM_022124.6 (MANE Select); bases 9 to 31 of the intron after coding-DNA position 3369, 23 bases duplicated (CCCGTGGCCTCTGGGGCAGGTGG).
Molecular consequence: splice donor variant. On other transcripts: 3 prime UTR variant (2).
Genome position (GRCh38, 1-based): chr10:71,712,822-71,712,844, CCCGTGGCCTCTGGGGCAGGTGG duplicated; duplicating any 23 consecutive bases within chr10:71,712,813-71,712,844 gives the same sequence; the c. name uses the placement nearest the transcript's 3' end. VCF-style (leftmost placement, unchanged base first): chr10-71712812-A-AGGCAGGTGGCCCGTGGCCTCTGG. GRCh37 (hg19) VCF-style: chr10-73472569-A-AGGCAGGTGGCCCGTGGCCTCTGG.
Other names: c.*3101_*3123dup (NM_001164375.3, NM_001168390.2); c.3369+9_3369+31dup (NM_001171930.2).
Identifiers: ClinVar variation 1906272 (VCV001906272.2), dbSNP rs2494093190, ClinGen allele CA2580081823.